The following is an entry in ClinVar:

NM_032620.4(GTPBP3):c.592-5G>T

Gene: GTPBP3 (GTP binding protein 3, mitochondrial; plus strand). Cytogenetic location: 19p13.11.
Variant type: single nucleotide variant.
Coding change: c.592-5G>T on transcript NM_032620.4 (MANE Select); 5 bases into the intron before coding-DNA position 592, G replaced by T.
Molecular consequence: intron variant.
Genome position (GRCh38, 1-based): chr19:17,338,949, G>T. VCF-style: chr19-17338949-G-T. GRCh37 (hg19) VCF-style: chr19-17449758-G-T.
Other names: c.658-5G>T (NM_001195422.1); c.592-5G>T (NM_133644.4, NM_001128855.3).
Identifiers: ClinVar variation 380068 (VCV000380068.34), dbSNP rs201374694, ClinGen allele CA9293420.

ClinVar aggregate classification (germline): Conflicting classifications of pathogenicity. Review status: criteria provided, conflicting classifications (1 of 4 stars). 5 submissions from 5 submitters: Uncertain significance (2); Likely benign (3). Last evaluated 2026-01-04.

Conditions:
Inborn genetic diseases. Identifiers: MedGen C0950123, MeSH D030342.

Allele frequency attached by ClinVar (database versions not stated): ExAC 0.00016; TOPMed 0.00029; gnomAD 0.00032; ESP Exome Variant Server 0.00038.
gnomAD v4.1: 930 of 1,590,138 alleles (0.058%); highest among the groups gnomAD compares: Non-Finnish European, 0.077%; 3 homozygotes.

Submissions (5):

Labcorp Genetics (formerly Invitae), Labcorp
Classification: Likely benign. Last evaluated: 2026-01-04. Review status: criteria provided, single submitter. Criteria: Invitae Variant Classification Sherloc (09022015). Collection method: clinical testing. Allele origin: germline.

Blueprint Genetics
Classification: Likely benign. Last evaluated: 2024-11-21. Review status: criteria provided, single submitter. Criteria: ACMG Guidelines, 2015. Collection method: clinical testing. Allele origin: germline.

CeGaT Center for Human Genetics Tuebingen
Classification: Uncertain significance. Last evaluated: 2024-01-01. Review status: criteria provided, single submitter. Criteria: CeGaT Center For Human Genetics Tuebingen Variant Classification Criteria Version 2. Collection method: clinical testing. Allele origin: germline. Affected: yes. Observed: 1 variant allele.
Comment: GTPBP3: PM2, BP4

Ambry Genetics
Classification: Uncertain significance for Inborn genetic diseases. Last evaluated: 2021-06-18. Review status: criteria provided, single submitter. Criteria: Ambry Variant Classification Scheme 2023. Collection method: clinical testing. Allele origin: germline.
Comment: The c.592-5G>T intronic alteration consists of a G to T substitution 5 nucleotides before coding exon 5 in the GTPBP3 gene. Based on insufficient or conflicting evidence, the clinical significance of this alteration remains unclear.

GeneDx
Classification: Likely benign. Last evaluated: 2020-04-09. Review status: criteria provided, single submitter. Criteria: GeneDx Variant Classification Process June 2021. Collection method: clinical testing. Allele origin: germline. Affected: yes.